The following is an entry in ClinVar:

NM_006060.6(IKZF1):c.1178G>C (p.Ser393Thr)

Gene: IKZF1 (IKAROS family zinc finger 1; plus strand). Cytogenetic location: 7p12.2.
Variant type: single nucleotide variant.
Coding change: c.1178G>C on transcript NM_006060.6 (MANE Select); coding-DNA position 1178, G replaced by C.
Protein change: p.Ser393Thr; replaces serine 393 with threonine.
Molecular consequence: missense variant.
Genome position (GRCh38, 1-based): chr7:50,400,245, G>C. VCF-style: chr7-50400245-G-C. GRCh37 (hg19) VCF-style: chr7-50467943-G-C.
Other names: c.1052G>C, p.Ser351Thr (NM_001220765.3, NM_001291837.2); c.887G>C, p.Ser296Thr (NM_001220767.2); c.917G>C, p.Ser306Thr (NM_001220768.2, NM_001291838.2); c.761G>C, p.Ser254Thr (NM_001220770.2); c.749G>C, p.Ser250Thr (NM_001220771.2, NM_001291841.1); c.791G>C, p.Ser264Thr (NM_001291839.2); c.488G>C, p.Ser163Thr (NM_001291840.1); c.719G>C, p.Ser240Thr (NM_001291842.1); and 3 more; short protein forms S163T, S198T, S208T, S240T, S250T, S254T, S264T, S296T.
Identifiers: ClinVar variation 1710961 (VCV001710961.1), dbSNP rs2153518681, ClinGen allele CA367524586.

ClinVar aggregate classification (germline): Uncertain significance (1 of 4 stars; one submission).

Conditions:
Acute lymphoid leukemia (ALL). Also called: Acute lymphoblastic leukemia; Acute lymphocytic leukemia; Leukemia, acute lymphoblastic, somatic; Lymphoblastic leukemia. Identifiers: Orphanet 513, MedGen C0023449, MONDO:0004967, OMIM 613065, HP:0006721.

Submission:

St. Jude Molecular Pathology, St. Jude Children's Research Hospital
Classification: Uncertain significance for Acute lymphoid leukemia. Last evaluated: 2022-07-12. Review status: criteria provided, single submitter. Criteria: St. Jude Assertion Criteria 2020. Collection method: clinical testing. Allele origin: germline.
Comment: The IKZF1 c.1178G>C (p.Ser393Thr) missense change is absent in gnomAD v2.1.1. The in silico tool REVEL is inconclusive about a pathogenic or benign effect of this variant on protein function, and to our knowledge functional studies have not been performed. This variant occurs in a gene where missense variants are more likely to be damaging based on methods described by Lek et al. (PMID: 27535533). To our knowledge, this variant has not been reported in individuals with acute lymphoblastic leukemia or immunodeficiency. In summary, the evidence currently available is insufficient to determine the clinical significance of this variant. It has therefore been classified as of uncertain significance.